The following is an entry in ClinVar:

NM_014956.5(CEP164):c.1401G>A (p.Leu467=)

Gene: CEP164 (centrosomal protein 164; plus strand). Cytogenetic location: 11q23.3.
Variant type: single nucleotide variant.
Coding change: c.1401G>A on transcript NM_014956.5 (MANE Select); coding-DNA position 1401, G replaced by A.
Protein change: p.Leu467=; no amino-acid change (leucine 467 retained).
Molecular consequence: synonymous variant.
Genome position (GRCh38, 1-based): chr11:117,380,697, G>A. VCF-style: chr11-117380697-G-A. GRCh37 (hg19) VCF-style: chr11-117251413-G-A.
Other names: c.1401G>A (NM_014956.4); c.1401G>A, p.Leu467= (NM_001271933.2).
Identifiers: ClinVar variation 1101733 (VCV001101733.11), dbSNP rs138093785, ClinGen allele CA6294729.
Genomic context (GRCh38, chr11:117,380,697, plus strand): 5'-AGACAAGGATGACAGCCAGTCCAGCCAAGATGAGCTGCAGAGCAAGCAGTCCAAAGGCCT[G>A]GAGGAGAGGTACCATAGGTGGGAGGCTATCCCCAGCGCTGTGCCTTCAGGGTGGTGTGGA-3'
Protein context (NP_055771.4, residues 457-477): DELQSKQSKG[Leu467=]EERLSPPLPH

ClinVar aggregate classification (germline): Likely benign. Review status: criteria provided, multiple submitters, no conflicts (2 of 4 stars). 3 submissions from 3 submitters: Likely benign (3). Last evaluated 2025-04-13.

Conditions:
Nephronophthisis 15 (NPHP15). Identifiers: Orphanet 3156, MedGen C3541853, MONDO:0013917, OMIM 614845.
CEP164-related disorder. Also called: CEP164-related condition.

Allele frequency attached by ClinVar (database versions not stated): gnomAD 0.00011; 1000 Genomes Project 30x 0.00031; 1000 Genomes Project 0.00040; gnomAD exomes 0.00001 and 0.00002; ExAC 0.00005; ESP Exome Variant Server 0.00008; TOPMed 0.00008.
gnomAD v4.1: 37 of 1,603,566 alleles (0.0023%); highest among the groups gnomAD compares: African/African-American, 0.041%; no homozygotes.

Submissions (3):

Labcorp Genetics (formerly Invitae), Labcorp
Classification: Likely benign for Nephronophthisis 15. Last evaluated: 2025-04-13. Review status: criteria provided, single submitter. Criteria: Invitae Variant Classification Sherloc (09022015). Collection method: clinical testing. Allele origin: germline.

PreventionGenetics, part of Exact Sciences
Classification: Likely benign for CEP164-related condition. Last evaluated: 2024-11-10. Review status: criteria provided, single submitter. Criteria: ACMG Guidelines, 2015. Collection method: clinical testing. Allele origin: germline.
Comment: This variant is classified as likely benign based on ACMG/AMP sequence variant interpretation guidelines (Richards et al. 2015 PMID: 25741868, with internal and published modifications).

Blueprint Genetics
Classification: Likely benign. Last evaluated: 2021-12-08. Review status: criteria provided, single submitter. Criteria: ACMG Guidelines, 2015. Collection method: clinical testing. Allele origin: germline.